The following is an entry in ClinVar:

NM_000137.4(FAH):c.1031_1032del (p.Asp344fs)

Gene: FAH (fumarylacetoacetate hydrolase; plus strand). Cytogenetic location: 15q25.1.
Variant type: Deletion.
Coding change: c.1031_1032del on transcript NM_000137.4 (MANE Select); coding-DNA positions 1031 to 1032, 2 bases deleted (AC; older notation c.1031_1032delAC).
Protein change: p.Asp344fs; shifts the reading frame from aspartic acid 344.
Molecular consequence: frameshift variant.
Genome position (GRCh38, 1-based): chr15:80,180,194-80,180,195, AC deleted. VCF-style (leftmost placement, unchanged base first): chr15-80180193-GAC-G. GRCh37 (hg19) VCF-style: chr15-80472535-GAC-G.
Other names: c.1031_1032del, p.Asp344fs (NM_001374377.1, NM_001374380.1); c.1031_1032delAC (NM_000137.4); short protein forms D344fs.
Identifiers: ClinVar variation 4853060 (VCV004853060.1).
Genomic context (GRCh38, chr15:80,180,193, plus strand): 5'-TGGACGATGCTGCAGCAGCTCACTCACCACTCTGTCAACGGCTGCAACCTGCGGCCGGGG[GAC>G]CTCCTGGCTTCTGGGACCATCAGCGGGCCGGTGAGTATCTGGCTGCACTGAGGGCTGCCC-3'

ClinVar aggregate classification (germline): Pathogenic (1 of 4 stars; one submission).

Conditions:
Tyrosinemia type I (TYRSN1). Also called: FAH DEFICIENCY; HEPATORENAL TYROSINEMIA; Tyrosinemia type 1; Fumarylacetoacetase deficiency; Deficiency of fumarylacetoacetase. Identifiers: Orphanet 882, MedGen C0268490, MONDO:0010161, OMIM 276700. Disease mechanism: loss of function.

Submission:

Women's Health and Genetics/Laboratory Corporation of America, LabCorp
Classification: Pathogenic for Tyrosinemia type I. Last evaluated: 2026-05-29. Review status: criteria provided, single submitter. Criteria: LabCorp Variant Classification Summary - May 2015. Collection method: clinical testing. Allele origin: germline.
Comment: Variant summary: FAH c.1031_1032delAC (p.Asp344AlafsX45) results in a premature termination codon, in the last exon predicted to cause a truncation of the encoded protein, however, nosense mediated decay is not expected to occur. The variant was absent in 247076 control chromosomes. To our knowledge, no occurrence of c.1031_1032delAC in individuals affected with FAH-related conditions and no experimental evidence demonstrating its impact on protein function have been reported. At least one downstream variant has been classified as Pathogenic/Likely Pathogenic (c.1203C>G, p.Tyr401X) by our lab, providing evidence that the region altered by the variant is critical to protein function. No submitters have cited clinical-significance assessments for this variant to ClinVar. Based on the evidence outlined above, the variant was classified as pathogenic.